The following is an entry in ClinVar:

ClinVar aggregate classification (germline): Conflicting classifications of pathogenicity. Review status: criteria provided, conflicting classifications (1 of 4 stars). 4 submissions from 4 submitters: Uncertain significance (2); Likely benign (1). 1 of the submissions does not count toward it. Last evaluated 2025-09-20.

Conditions:
Familial hypocalciuric hypercalcemia (FHH). Also called: Familial benign hypercalcemia. Identifiers: Orphanet 405, MedGen C1809471, MONDO:0018458.
Autosomal dominant hypocalcemia 1 (HYPOC1). Also called: HYPOCALCEMIA, FAMILIAL. Identifiers: MedGen C3715128, MONDO:0011013, OMIM 601198.
Epilepsy, idiopathic generalized, susceptibility to, 8. Identifiers: MedGen C2752062, MONDO:0013032, OMIM 612899.
Neonatal severe primary hyperparathyroidism. Identifiers: Orphanet 417, MedGen C1832615, MONDO:0009397, OMIM 239200.
Familial hypocalciuric hypercalcemia 1. Also called: Hypercalcemia, familial benign type 1. Identifiers: Orphanet 405, Orphanet 93372, MedGen C0342637, MONDO:0007791, OMIM 145980.
CASR-related disorder. Also called: CASR-related condition.
Nephrolithiasis/nephrocalcinosis. Identifiers: MedGen CN580796.

Allele frequency attached by ClinVar (database versions not stated): gnomAD 0.00001; ExAC 0.00003; gnomAD exomes 0.00003; TOPMed 0.00003; ESP Exome Variant Server 0.00008.
gnomAD v4.1: 47 of 1,613,986 alleles (0.0029%); highest among the groups gnomAD compares: Non-Finnish European, 0.0036%; no homozygotes.

Submissions (4):

Labcorp Genetics (formerly Invitae), Labcorp
Classification: Likely benign for Familial hypocalciuric hypercalcemia; Autosomal dominant hypocalcemia 1. Last evaluated: 2025-09-20. Review status: criteria provided, single submitter. Criteria: Invitae Variant Classification Sherloc (09022015). Collection method: clinical testing. Allele origin: germline.

Ambry Genetics
Classification: Uncertain significance for Nephrolithiasis/nephrocalcinosis. Last evaluated: 2025-02-27. Review status: criteria provided, single submitter. Criteria: Ambry Variant Classification Scheme 2023. Collection method: clinical testing. Allele origin: germline.

Fulgent Genetics
Classification: Uncertain significance for Familial hypocalciuric hypercalcemia 1; Neonatal severe primary hyperparathyroidism; Autosomal dominant hypocalcemia 1; Epilepsy, idiopathic generalized, susceptibility to, 8. Last evaluated: 2022-04-25. Review status: criteria provided, single submitter. Criteria: ACMG Guidelines, 2015. Collection method: clinical testing. Allele origin: unknown.

PreventionGenetics, part of Exact Sciences
Classification: Uncertain significance for CASR-related condition. Last evaluated: 2024-07-12. Review status: no assertion criteria provided. Collection method: clinical testing. Allele origin: germline. Not counted in ClinVar's aggregate classification.
Comment: The CASR c.1193A>G variant is predicted to result in the amino acid substitution p.Asp398Gly. To our knowledge, this variant has not been reported in the literature. This variant is reported in 0.0053% of alleles in individuals of European (non-Finnish) descent in gnomAD. At this time, the clinical significance of this variant is uncertain due to the absence of conclusive functional and genetic evidence.

NM_000388.4(CASR):c.1193A>G (p.Asp398Gly)

Gene: CASR (calcium sensing receptor; plus strand). Cytogenetic location: 3q21.1.
Variant type: single nucleotide variant.
Coding change: c.1193A>G on transcript NM_000388.4 (MANE Select); coding-DNA position 1193, A replaced by G.
Protein change: p.Asp398Gly; replaces aspartic acid 398 with glycine.
Molecular consequence: missense variant.
Genome position (GRCh38, 1-based): chr3:122,262,228, A>G. VCF-style: chr3-122262228-A-G. GRCh37 (hg19) VCF-style: chr3-121981075-A-G.
Other names: c.1193A>G, p.Asp398Gly (NM_001178065.2); c.1193A>G (NM_001178065.1); short protein forms D398G.
Identifiers: ClinVar variation 573275 (VCV000573275.20), dbSNP rs202101164, ClinGen allele CA2569610.